The following is an entry in ClinVar:

NM_000542.5(SFTPB):c.1129C>T (p.His377Tyr)

Gene: SFTPB (surfactant protein B; minus strand). Cytogenetic location: 2p11.2.
Variant type: single nucleotide variant.
Coding change: c.1129C>T on transcript NM_000542.5 (MANE Select); coding-DNA position 1129, C replaced by T.
Protein change: p.His377Tyr; replaces histidine 377 with tyrosine.
Molecular consequence: missense variant. On other transcripts: intron variant (1).
Genome position (GRCh38, 1-based): chr2:85,661,490, G>A on the plus strand (C>T on the coding strand, the complement: SFTPB is on the minus strand). VCF-style: chr2-85661490-G-A. GRCh37 (hg19) VCF-style: chr2-85888613-G-A.
Other names: c.1129C>T, p.His377Tyr (NM_198843.4); c.1002+1856C>T (NM_001367281.1); short protein forms H377Y.
Identifiers: ClinVar variation 1676887 (VCV001676887.2), dbSNP rs1250718045, ClinGen allele CA347485378.

ClinVar aggregate classification (germline): Uncertain significance (1 of 4 stars; one submission).

Allele frequency attached by ClinVar (database versions not stated): gnomAD exomes below 0.00001.

Submission:

GeneDx
Classification: Uncertain significance. Last evaluated: 2022-04-12. Review status: criteria provided, single submitter. Criteria: GeneDx Variant Classification Process June 2021. Collection method: clinical testing. Allele origin: germline. Affected: yes.
Comment: Not observed at significant frequency in large population cohorts (gnomAD); In silico analysis supports that this missense variant does not alter protein structure/function; Has not been previously published as pathogenic or benign to our knowledge